The following is an entry in ClinVar:

NM_000088.4(COL1A1):c.4084G>T (p.Ala1362Ser)

Gene: COL1A1 (collagen type I alpha 1 chain; minus strand). Cytogenetic location: 17q21.33.
Variant type: single nucleotide variant.
Coding change: c.4084G>T on transcript NM_000088.4 (MANE Select); coding-DNA position 4084, G replaced by T.
Protein change: p.Ala1362Ser; replaces alanine 1362 with serine.
Molecular consequence: missense variant.
Genome position (GRCh38, 1-based): chr17:50,185,942, C>A on the plus strand (G>T on the coding strand, the complement: COL1A1 is on the minus strand). VCF-style: chr17-50185942-C-A. GRCh37 (hg19) VCF-style: chr17-48263303-C-A.
Other names: short protein forms A1362S.
Identifiers: ClinVar variation 3693548 (VCV003693548.2).

ClinVar aggregate classification (germline): Uncertain significance (1 of 4 stars; one submission).

Conditions:
Osteogenesis imperfecta type I (OI1). Also called: OI, TYPE I; OSTEOGENESIS IMPERFECTA TARDA; OSTEOGENESIS IMPERFECTA WITH BLUE SCLERAE; Osteogenesis imperfecta type 1; Lobstein's Disease; Lobstein disease. Identifiers: Orphanet 216796, Orphanet 666, MedGen C0023931, MONDO:0008146, OMIM 166200. Disease mechanism: loss of function.

Submission:

Labcorp Genetics (formerly Invitae), Labcorp
Classification: Uncertain significance for Osteogenesis imperfecta type I. Last evaluated: 2024-03-16. Review status: criteria provided, single submitter. Criteria: Invitae Variant Classification Sherloc (09022015). Collection method: clinical testing. Allele origin: germline.
Comment: This sequence change replaces alanine, which is neutral and non-polar, with serine, which is neutral and polar, at codon 1362 of the COL1A1 protein (p.Ala1362Ser). This variant is present in population databases (rs752203049, gnomAD 0.02%). This variant has not been reported in the literature in individuals affected with COL1A1-related conditions. Advanced modeling of protein sequence and biophysical properties (such as structural, functional, and spatial information, amino acid conservation, physicochemical variation, residue mobility, and thermodynamic stability) performed at Invitae indicates that this missense variant is expected to disrupt COL1A1 protein function with a positive predictive value of 95%. In summary, the available evidence is currently insufficient to determine the role of this variant in disease. Therefore, it has been classified as a Variant of Uncertain Significance.